The following is an entry in ClinVar:

ClinVar aggregate classification (germline): Uncertain significance (1 of 4 stars; one submission).

Conditions:
Severe combined immunodeficiency due to DCLRE1C deficiency (RS-SCID). Also called: SCID, AUTOSOMAL RECESSIVE, T CELL-NEGATIVE, B CELL-NEGATIVE, NK CELL-POSITIVE, WITH SENSITIVITY TO IONIZING RADIATION. Identifiers: Orphanet 275, MedGen C1865371, MONDO:0011225, OMIM 602450.

Submission:

Labcorp Genetics (formerly Invitae), Labcorp
Classification: Uncertain significance for Athabaskan severe combined immunodeficiency. Last evaluated: 2022-01-14. Review status: criteria provided, single submitter. Criteria: Invitae Variant Classification Sherloc (09022015). Collection method: clinical testing. Allele origin: germline.
Comment: This sequence change replaces glutamic acid, which is acidic and polar, with glycine, which is neutral and non-polar, at codon 652 of the DCLRE1C protein (p.Glu652Gly). This variant is not present in population databases (gnomAD no frequency). This variant has not been reported in the literature in individuals affected with DCLRE1C-related conditions. Algorithms developed to predict the effect of missense changes on protein structure and function are either unavailable or do not agree on the potential impact of this missense change (SIFT: "Tolerated"; PolyPhen-2: "Possibly Damaging"; Align-GVGD: "Class C0"). In summary, the available evidence is currently insufficient to determine the role of this variant in disease. Therefore, it has been classified as a Variant of Uncertain Significance.

NM_001033855.3(DCLRE1C):c.1955A>G (p.Glu652Gly)

Gene: DCLRE1C (DNA cross-link repair 1C; minus strand). Cytogenetic location: 10p13.
Variant type: single nucleotide variant.
Coding change: c.1955A>G on transcript NM_001033855.3 (MANE Select); coding-DNA position 1955, A replaced by G.
Protein change: p.Glu652Gly; replaces glutamic acid 652 with glycine.
Molecular consequence: missense variant. On other transcripts: non-coding transcript variant (3), intron variant (3).
Genome position (GRCh38, 1-based): chr10:14,908,532, T>C on the plus strand (A>G on the coding strand, the complement: DCLRE1C is on the minus strand). VCF-style: chr10-14908532-T-C. GRCh37 (hg19) VCF-style: chr10-14950531-T-C.
Other names: c.1595A>G, p.Glu532Gly (NM_001033857.3, NM_001033858.3, NM_001289077.2 and 1 more transcripts); c.1610A>G, p.Glu537Gly (NM_001289076.2, NM_001289078.2, NM_022487.4); c.1437+173A>G (NM_001350966.2); c.1782+173A>G (NM_001350965.2); c.1422+173A>G (NM_001350967.2); short protein forms E537G, E532G, E652G.
Identifiers: ClinVar variation 1978572 (VCV001978572.4), dbSNP rs2491617423, ClinGen allele CA376074197.